The following is an entry in ClinVar:

NM_001267550.2(TTN):c.81341del (p.Lys27114fs)

Genes: TTN-AS1 (TTN antisense RNA 1; plus strand), TTN (titin; minus strand). Cytogenetic location: 2q31.2.
Variant type: Deletion.
Coding change: c.81341del on transcript NM_001267550.2 (MANE Select); coding-DNA position 81341, one base deleted (A; older notation c.81341delA).
Protein change: p.Lys27114fs; shifts the reading frame from lysine 27114.
Molecular consequence: frameshift variant.
Genome position (GRCh38, 1-based): chr2:178,564,791, T deleted on the plus strand (A on the coding strand, the reverse complement: TTN is on the minus strand); the first of 4 consecutive T bases (chr2:178,564,791-178,564,794); deleting any one gives the same sequence. VCF-style (leftmost placement, unchanged base first): chr2-178564790-CT-C. GRCh37 (hg19) VCF-style: chr2-179429517-CT-C.
Other names: c.76418del, p.Lys25473fs (NM_001256850.1); c.54146del, p.Lys18049fs (NM_003319.4); c.73637del, p.Lys24546fs (NM_133378.4); c.54521del, p.Lys18174fs (NM_133432.3); c.54722del, p.Lys18241fs (NM_133437.4); short protein forms K18049fs, K25473fs, K27114fs, K18174fs, K18241fs, K24546fs.
Identifiers: ClinVar variation 2944039 (VCV002944039.3), dbSNP rs1575663327, ClinGen allele CA2740095914.

ClinVar aggregate classification (germline): Likely pathogenic (1 of 4 stars; one submission).

Conditions:
Dilated cardiomyopathy 1G (CMD1G). Identifiers: Orphanet 154, MedGen C1858763, MONDO:0011400, OMIM 604145.
Autosomal recessive limb-girdle muscular dystrophy type 2J (LGMDR10). Also called: MUSCULAR DYSTROPHY, LIMB-GIRDLE, AUTOSOMAL RECESSIVE 10; Limb-girdle muscular dystrophy, type 2J. Identifiers: Orphanet 140922, MedGen C1837342, MONDO:0012127, OMIM 608807.

Submission:

Labcorp Genetics (formerly Invitae), Labcorp
Classification: Likely pathogenic for Dilated cardiomyopathy 1G; Autosomal recessive limb-girdle muscular dystrophy type 2J. Last evaluated: 2023-02-08. Review status: criteria provided, single submitter. Criteria: Invitae Variant Classification Sherloc (09022015). Collection method: clinical testing. Allele origin: germline.
Comment: In summary, the currently available evidence indicates that the variant is pathogenic, but additional data are needed to prove that conclusively. Therefore, this variant has been classified as Likely Pathogenic. This variant is located in the A band of TTN (PMID: 25589632). Truncating variants in this region are significantly overrepresented in patients affected with dilated cardiomyopathy (PMID: 25589632). Truncating variants in this region have also been reported in individuals affected with autosomal recessive centronuclear myopathy (PMID: 23975875). This variant has not been reported in the literature in individuals affected with TTN-related conditions. This variant is not present in population databases (gnomAD no frequency). This sequence change creates a premature translational stop signal (p.Lys27114Argfs*9) in the TTN gene. While this is not anticipated to result in nonsense mediated decay, it is expected to create a truncated TTN protein.

Literature cited by the submitters: PubMed 25589632; PubMed 23975875.